The following is an entry in ClinVar:

ClinVar aggregate classification (germline): Uncertain significance. Review status: criteria provided, multiple submitters, no conflicts (2 of 4 stars). 2 submissions from 2 submitters: Uncertain significance (2). Last evaluated 2025-11-13.

Conditions:
GABRB1-related disorder. Also called: GABRB1-related condition.

Allele frequency attached by ClinVar (database versions not stated): ExAC 0.00001; gnomAD 0.00001; TOPMed 0.00001.
gnomAD v4.1: 3 of 1,614,044 alleles (0.00019%); highest among the groups gnomAD compares: Admixed American, 0.005%; no homozygotes.

Submissions (2):

Labcorp Genetics (formerly Invitae), Labcorp
Classification: Uncertain significance. Last evaluated: 2025-11-13. Review status: criteria provided, single submitter. Criteria: Invitae Variant Classification Sherloc (09022015). Collection method: clinical testing. Allele origin: germline.
Comment: This sequence change replaces proline, which is neutral and non-polar, with arginine, which is basic and polar, at codon 407 of the GABRB1 protein (p.Pro407Arg). This variant is present in population databases (rs760363817, gnomAD 0.006%). This variant has not been reported in the literature in individuals affected with GABRB1-related conditions. ClinVar contains an entry for this variant (Variation ID: 2869254). Invitae Evidence Modeling of protein sequence and biophysical properties (such as structural, functional, and spatial information, amino acid conservation, physicochemical variation, residue mobility, and thermodynamic stability) indicates that this missense variant is not expected to disrupt GABRB1 protein function with a negative predictive value of 95%. In summary, the available evidence is currently insufficient to determine the role of this variant in disease. Therefore, it has been classified as a Variant of Uncertain Significance.

PreventionGenetics, part of Exact Sciences
Classification: Uncertain significance for GABRB1-related condition. Last evaluated: 2024-11-02. Review status: criteria provided, single submitter. Criteria: ACMG Guidelines, 2015. Collection method: clinical testing. Allele origin: germline.
Comment: The GABRB1 c.1220C>G variant is predicted to result in the amino acid substitution p.Pro407Arg. To our knowledge, this variant has not been reported in the literature. This variant is reported in 0.0058% of alleles in individuals of Latino descent in gnomAD. At this time, the clinical significance of this variant is uncertain due to the absence of conclusive functional and genetic evidence.

NM_000812.4(GABRB1):c.1220C>G (p.Pro407Arg)

Gene: GABRB1 (gamma-aminobutyric acid type A receptor subunit beta1; plus strand). Cytogenetic location: 4p12.
Variant type: single nucleotide variant.
Coding change: c.1220C>G on transcript NM_000812.4 (MANE Select); coding-DNA position 1220, C replaced by G.
Protein change: p.Pro407Arg; replaces proline 407 with arginine.
Molecular consequence: missense variant.
Genome position (GRCh38, 1-based): chr4:47,425,813, C>G. VCF-style: chr4-47425813-C-G. GRCh37 (hg19) VCF-style: chr4-47427830-C-G.
Other names: c.1220C>G (NM_000812.3); short protein forms P407R.
Identifiers: ClinVar variation 2869254 (VCV002869254.4), dbSNP rs760363817, ClinGen allele CA2907780.
Genomic context (GRCh38, chr4:47,425,813, plus strand): 5'-TGAGCGACCCCAAGGCCACCATGTACTCCTATGACAGCGCCAGCATCCAGTACCGCAAGC[C>G]CCTGAGCAGCCGCGAGGCCTACGGGCGCGCCCTGGACCGGCACGGGGTACCCAGCAAGGG-3'
Protein context (NP_000803.2, residues 397-417): YDSASIQYRK[Pro407Arg]LSSREAYGRA